The following is an entry in ClinVar:

ClinVar aggregate classification (germline): Uncertain significance (1 of 4 stars; one submission).

Conditions:
Charcot-Marie-Tooth disease type 4A. Also called: Charcot-Marie-Tooth disease, demyelinating, autosomal recessive, type 4a. Identifiers: Orphanet 99948, MedGen C1859198, MONDO:0008961, OMIM 214400.

Submission:

Labcorp Genetics (formerly Invitae), Labcorp
Classification: Uncertain significance for Charcot-Marie-Tooth disease type 4A. Last evaluated: 2018-08-12. Review status: criteria provided, single submitter. Criteria: Invitae Variant Classification Sherloc (09022015). Collection method: clinical testing. Allele origin: germline.
Comment: This sequence change replaces serine with alanine at codon 302 of the GDAP1 protein (p.Ser302Ala). The serine residue is highly conserved and there is a moderate physicochemical difference between serine and alanine. This variant is not present in population databases (ExAC no frequency). This variant has not been reported in the literature in individuals with GDAP1-related disease. Algorithms developed to predict the effect of missense changes on protein structure and function are either unavailable or do not agree on the potential impact of this missense change (SIFT: "Deleterious"; PolyPhen-2: "Probably Damaging"; Align-GVGD: "Class C0"). In summary, the available evidence is currently insufficient to determine the role of this variant in disease. Therefore, it has been classified as a Variant of Uncertain Significance.

NM_018972.4(GDAP1):c.904T>G (p.Ser302Ala)

Gene: GDAP1 (ganglioside induced differentiation associated protein 1; plus strand). Cytogenetic location: 8q21.11.
Variant type: single nucleotide variant.
Coding change: c.904T>G on transcript NM_018972.4 (MANE Select); coding-DNA position 904, T replaced by G.
Protein change: p.Ser302Ala; replaces serine 302 with alanine.
Molecular consequence: missense variant. On other transcripts: intron variant (1).
Genome position (GRCh38, 1-based): chr8:74,364,194, T>G. VCF-style: chr8-74364194-T-G. GRCh37 (hg19) VCF-style: chr8-75276429-T-G.
Other names: c.700T>G, p.Ser234Ala (NM_001040875.4); c.577T>G, p.Ser193Ala (NM_001362929.2, NM_001362932.2); c.730T>G, p.Ser244Ala (NM_001362930.2); c.694+1141T>G (NM_001362931.2); short protein forms S244A, S234A, S302A, S193A.
Identifiers: ClinVar variation 655484 (VCV000655484.8), dbSNP rs1586807478, ClinGen allele CA371550513.
Genomic context (GRCh38, chr8:74,364,194, plus strand): 5'-CGTGTCTTGAAGAGAAAAACATTTAACAAGGTTTTAGGACATGTCAACAATATATTAATC[T>G]CTGCAGTGCTGCCAACAGCATTCCGGGTGGCCAAGAAAAGGGCCCCAAAAGTTCTTGGCA-3'
Protein context (NP_061845.2, residues 292-312): VLGHVNNILI[Ser302Ala]AVLPTAFRVA